The following is an entry in ClinVar:

ClinVar aggregate classification (germline): Uncertain significance (1 of 4 stars; one submission).

Allele frequency attached by ClinVar (database versions not stated): ESP Exome Variant Server 0.00008.
gnomAD v4.1: 35 of 1,614,104 alleles (0.0022%); highest among the groups gnomAD compares: African/African-American, 0.029%; no homozygotes.

Submission:

Labcorp Genetics (formerly Invitae), Labcorp
Classification: Uncertain significance. Last evaluated: 2022-07-12. Review status: criteria provided, single submitter. Criteria: Invitae Variant Classification Sherloc (09022015). Collection method: clinical testing. Allele origin: germline.
Comment: ClinVar contains an entry for this variant (Variation ID: 1445017). Experimental studies and prediction algorithms are not available or were not evaluated, and the functional significance of this variant is currently unknown. In summary, the available evidence is currently insufficient to determine the role of this variant in disease. Therefore, it has been classified as a Variant of Uncertain Significance. This sequence change replaces methionine, which is neutral and non-polar, with leucine, which is neutral and non-polar, at codon 2484 of the HTT protein (p.Met2484Leu). This variant is present in population databases (rs369228257, gnomAD 0.04%). This variant has not been reported in the literature in individuals affected with HTT-related conditions.

NM_001388492.1(HTT):c.7444A>T (p.Met2482Leu)

Gene: HTT (huntingtin; plus strand). Cytogenetic location: 4p16.3.
Variant type: single nucleotide variant.
Coding change: c.7444A>T on transcript NM_001388492.1 (MANE Select); coding-DNA position 7444, A replaced by T.
Protein change: p.Met2482Leu; replaces methionine 2482 with leucine.
Molecular consequence: missense variant.
Genome position (GRCh38, 1-based): chr4:3,222,461, A>T. VCF-style: chr4-3222461-A-T. GRCh37 (hg19) VCF-style: chr4-3224188-A-T.
Other names: c.7450A>T, p.Met2484Leu (NM_002111.8); short protein forms M2484L, M2482L.
Identifiers: ClinVar variation 1445017 (VCV001445017.6), dbSNP rs369228257, ClinGen allele CA2825359.
Genomic context (GRCh38, chr4:3,222,461, plus strand): 5'-ACTCAGTTTGAAGAAACTTGGGCCACCCTCCTTGGTGTCCTGGTGACGCAGCCCCTCGTG[A>T]TGGAGCAGGAGGAGAGCCCACCAGAAGTAAGGCCACACCCTGTGCTGGTTGGCACATGGG-3'
Protein context (NP_001375421.1, residues 2472-2492): LGVLVTQPLV[Met2482Leu]EQEESPPEED